The following is an entry in ClinVar:

ClinVar aggregate classification (germline): Pathogenic (1 of 4 stars; one submission).

Conditions:
Bardet-Biedl syndrome (BBS). Identifiers: Orphanet 110, MedGen C0752166, MONDO:0015229.

Submission:

Labcorp Genetics (formerly Invitae), Labcorp
Classification: Pathogenic for Bardet-Biedl syndrome. Last evaluated: 2024-02-04. Review status: criteria provided, single submitter. Criteria: Invitae Variant Classification Sherloc (09022015). Collection method: clinical testing. Allele origin: germline.
Comment: This sequence change creates a premature translational stop signal (p.Arg277Lysfs*84) in the BBS1 gene. It is expected to result in an absent or disrupted protein product. Loss-of-function variants in BBS1 are known to be pathogenic (PMID: 12118255, 21520335, 27032803). This variant is not present in population databases (gnomAD no frequency). This variant has not been reported in the literature in individuals affected with BBS1-related conditions. For these reasons, this variant has been classified as Pathogenic.

Literature cited by the submitters: PubMed 12118255; PubMed 21520335; PubMed 27032803.

NM_024649.5(BBS1):c.829dup (p.Arg277fs)

Genes: BBS1 (Bardet-Biedl syndrome 1; plus strand), ZDHHC24 (zDHHC palmitoyltransferase 24; minus strand). Cytogenetic location: 11q13.2.
Variant type: Duplication.
Coding change: c.829dup on transcript NM_024649.5 (MANE Select); coding-DNA position 829, one base duplicated (A; older notation c.829dupA).
Protein change: p.Arg277fs; shifts the reading frame from arginine 277.
Molecular consequence: frameshift variant. On other transcripts: 3 prime UTR variant (1).
Genome position (GRCh38, 1-based): chr11:66,521,375, A duplicated; the last of 2 consecutive A bases (chr11:66,521,374-66,521,375); duplicating either gives the same sequence. VCF-style (leftmost placement, unchanged base first): chr11-66521373-G-GA. GRCh37 (hg19) VCF-style: chr11-66288844-G-GA.
Other names: c.*114dup (NM_001348571.2); short protein forms R277fs.
Identifiers: ClinVar variation 3638858 (VCV003638858.2).